The following is an entry in ClinVar:

ClinVar aggregate classification (germline): Uncertain significance (1 of 4 stars; one submission).

Conditions:
Charcot-Marie-Tooth disease type 2. Also called: Charcot-Marie-Tooth type 2. Identifiers: Orphanet 64746, MedGen C0270914, MONDO:0018993.

Submission:

Labcorp Genetics (formerly Invitae), Labcorp
Classification: Uncertain significance for Charcot-Marie-Tooth disease type 2. Last evaluated: 2019-09-29. Review status: criteria provided, single submitter. Criteria: Invitae Variant Classification Sherloc (09022015). Collection method: clinical testing. Allele origin: germline.
Comment: This sequence change replaces threonine with isoleucine at codon 394 of the BSCL2 protein (p.Thr394Ile). The threonine residue is moderately conserved and there is a moderate physicochemical difference between threonine and isoleucine. In summary, the available evidence is currently insufficient to determine the role of this variant in disease. Therefore, it has been classified as a Variant of Uncertain Significance. Algorithms developed to predict the effect of missense changes on protein structure and function output the following: SIFT: "Tolerated"; PolyPhen-2: "Benign"; Align-GVGD: "Class C0". The isoleucine amino acid residue is found in multiple mammalian species, suggesting that this missense change does not adversely affect protein function. These predictions have not been confirmed by published functional studies and their clinical significance is uncertain. This variant has not been reported in the literature in individuals with BSCL2-related conditions. This variant is not present in population databases (ExAC no frequency).

NM_001122955.4(BSCL2):c.1373C>T (p.Thr458Ile)

Genes: BSCL2 (BSCL2 lipid droplet biogenesis associated, seipin; minus strand), HNRNPUL2-BSCL2 (HNRNPUL2-BSCL2 readthrough (NMD candidate); minus strand). Cytogenetic location: 11q12.3.
Variant type: single nucleotide variant.
Coding change: c.1373C>T on transcript NM_001122955.4 (MANE Select); coding-DNA position 1373, C replaced by T.
Protein change: p.Thr458Ile; replaces threonine 458 with isoleucine.
Molecular consequence: missense variant. On other transcripts: non-coding transcript variant (1), 3 prime UTR variant (1).
Genome position (GRCh38, 1-based): chr11:62,690,383, G>A on the plus strand (C>T on the coding strand, the complement: BSCL2 is on the minus strand). VCF-style: chr11-62690383-G-A. GRCh37 (hg19) VCF-style: chr11-62457855-G-A.
Other names: c.*175C>T (NM_001130702.2); c.1379C>T, p.Thr460Ile (NM_001386027.1); c.1373C>T, p.Thr458Ile (NM_001386028.1); c.1181C>T, p.Thr394Ile (NM_032667.6); short protein forms T394I, T458I, T460I.
Identifiers: ClinVar variation 938139 (VCV000938139.9), dbSNP rs1945272396, ClinGen allele CA380953524.